The following is an entry in ClinVar:

ClinVar aggregate classification (germline): Likely pathogenic (1 of 4 stars; one submission).

Conditions:
Primary ciliary dyskinesia 3. Identifiers: Orphanet 244, MedGen C1837618, MONDO:0012085, OMIM 608644.

Submission:

Myriad Genetics, Inc.
Classification: Likely pathogenic for Primary ciliary dyskinesia 3. Last evaluated: 2021-12-17. Review status: criteria provided, single submitter. Criteria: Myriad Women's Health Autosomal Recessive and X-Linked Classification Criteria (2021). Collection method: clinical testing. Allele origin: unknown.
Comment: NM_001369.2(DNAH5):c.1384_1399del16ins6(F462Ifs*19) is expected to be pathogenic in the context of DNAH5-related primary ciliary dyskinesia. This variant is predicted to lead to an abnormal or absent protein product due to the creation of a premature termination codon in DNAH5, a gene where loss-of-function variants are known to be pathogenic. Please note: this variant was assessed in the context of healthy population screening.

NM_001369.3(DNAH5):c.1384_1399delinsATTGTT (p.Phe462fs)

Gene: DNAH5 (dynein axonemal heavy chain 5; minus strand). Cytogenetic location: 5p15.2.
Variant type: Indel.
Coding change: c.1384_1399delinsATTGTT on transcript NM_001369.3 (MANE Select); coding-DNA positions 1384 to 1399, TTTGATTTTAGCGAGA replaced by ATTGTT.
Protein change: p.Phe462fs; shifts the reading frame from phenylalanine 462.
Molecular consequence: frameshift variant.
Genome position (GRCh38, 1-based): chr5:13,913,880-13,913,895, TCTCGCTAAAATCAAA replaced by AACAAT on the plus strand (TTTGATTTTAGCGAGA replaced by ATTGTT on the coding strand, the reverse complement: DNAH5 is on the minus strand). VCF-style: chr5-13913880-TCTCGCTAAAATCAAA-AACAAT. GRCh37 (hg19) VCF-style: chr5-13913989-TCTCGCTAAAATCAAA-AACAAT.
Other names: short protein forms F462fs.
Identifiers: ClinVar variation 1726401 (VCV001726401.2), dbSNP rs2547127446, ClinGen allele CA2580072076.